The following is an entry in ClinVar:

NM_000352.6(ABCC8):c.1013C>T (p.Thr338Ile)

Gene: ABCC8 (ATP binding cassette subfamily C member 8; minus strand). Cytogenetic location: 11p15.1.
Variant type: single nucleotide variant.
Coding change: c.1013C>T on transcript NM_000352.6 (MANE Select); coding-DNA position 1013, C replaced by T.
Protein change: p.Thr338Ile; replaces threonine 338 with isoleucine.
Molecular consequence: missense variant. On other transcripts: non-coding transcript variant (1).
Genome position (GRCh38, 1-based): chr11:17,453,282, G>A on the plus strand (C>T on the coding strand, the complement: ABCC8 is on the minus strand). VCF-style: chr11-17453282-G-A. GRCh37 (hg19) VCF-style: chr11-17474829-G-A.
Other names: c.1010C>T, p.Thr337Ile (NM_001351297.2, NM_001351296.2); c.1013C>T, p.Thr338Ile (NM_001287174.3, NM_001351295.2); short protein forms T337I, T338I.
Identifiers: ClinVar variation 3774743 (VCV003774743.2).

ClinVar aggregate classification (germline): Uncertain significance (1 of 4 stars; one submission).

Submission:

GeneDx
Classification: Uncertain significance. Last evaluated: 2025-09-30. Review status: criteria provided, single submitter. Criteria: GeneDx Variant Classification Process June 2021. Collection method: clinical testing. Allele origin: germline.
Comment: Not observed at significant frequency in large population cohorts (gnomAD); In silico analysis suggests that this missense variant does not alter protein structure/function; Has not been previously published as pathogenic or benign to our knowledge